The following is an entry in ClinVar:

NM_002474.3(MYH11):c.4223A>G (p.Tyr1408Cys)

Genes: NDE1 (nudE neurodevelopment protein 1; plus strand), MYH11 (myosin heavy chain 11; minus strand). Cytogenetic location: 16p13.11.
Variant type: single nucleotide variant.
Coding change: c.4223A>G on transcript NM_002474.3 (MANE Select); coding-DNA position 4223, A replaced by G.
Protein change: p.Tyr1408Cys; replaces tyrosine 1408 with cysteine.
Molecular consequence: missense variant. On other transcripts: 3 prime UTR variant (2).
Genome position (GRCh38, 1-based): chr16:15,724,303, T>C on the plus strand (A>G on the coding strand, the complement: MYH11 is on the minus strand). VCF-style: chr16-15724303-T-C. GRCh37 (hg19) VCF-style: chr16-15818160-T-C.
Other names: c.4244A>G, p.Tyr1415Cys (NM_001040113.2, NM_001040114.2); c.4223A>G, p.Tyr1408Cys (NM_022844.3); c.*52T>C (NM_001143979.2, NM_017668.3); short protein forms Y1408C, Y1415C.
Identifiers: ClinVar variation 4725173 (VCV004725173.1).

ClinVar aggregate classification (germline): Uncertain significance. Review status: criteria provided, multiple submitters, no conflicts (2 of 4 stars). 2 submissions from 2 submitters: Uncertain significance (2). Last evaluated 2025-08-25.

Conditions:
Familial thoracic aortic aneurysm and aortic dissection (TAAD). Also called: Thoracic aortic aneurysms and dissections. Identifiers: Orphanet 91387, MedGen C4707243, MONDO:0019625.
Aortic aneurysm, familial thoracic 4 (AAT4). Also called: AORTIC ANEURYSM/AORTIC DISSECTION AND PATENT DUCTUS ARTERIOSUS. Identifiers: MedGen C1851504, MONDO:0007568, OMIM 132900.

gnomAD v4.1: 1 of 1,614,202 alleles (0.000062%); highest among the groups gnomAD compares: Non-Finnish European, 0.000085%; no homozygotes.

Submissions (2):

Color Diagnostics, LLC DBA Color Health
Classification: Uncertain significance for Familial thoracic aortic aneurysm and aortic dissection. Last evaluated: 2025-08-25. Review status: criteria provided, single submitter. Criteria: ACMG Guidelines, 2015. Collection method: clinical testing. Allele origin: germline.
Comment: This missense variant replaces tyrosine with cysteine at codon 1415 of the MYH11 protein. Computational prediction suggests that this variant may not impact protein structure and function. To our knowledge, functional studies have not been reported for this variant. This variant has not been reported in individuals affected with MYH11-related disorders in the literature. This variant has been identified in 1/251478 chromosomes in the general population by the Genome Aggregation Database (gnomAD). The available evidence is insufficient to determine the role of this variant in disease conclusively. Therefore, this variant is classified as a Variant of Uncertain Significance.

Labcorp Genetics (formerly Invitae), Labcorp
Classification: Uncertain significance for Aortic aneurysm, familial thoracic 4. Last evaluated: 2025-04-24. Review status: criteria provided, single submitter. Criteria: Invitae Variant Classification Sherloc (09022015). Collection method: clinical testing. Allele origin: germline.
Comment: This sequence change replaces tyrosine, which is neutral and polar, with cysteine, which is neutral and slightly polar, at codon 1415 of the MYH11 protein (p.Tyr1415Cys). This variant is present in population databases (rs767832212, gnomAD no frequency). This variant has not been reported in the literature in individuals affected with MYH11-related conditions. Invitae Evidence Modeling of protein sequence and biophysical properties (such as structural, functional, and spatial information, amino acid conservation, physicochemical variation, residue mobility, and thermodynamic stability) indicates that this missense variant is not expected to disrupt MYH11 protein function with a negative predictive value of 95%. In summary, the available evidence is currently insufficient to determine the role of this variant in disease. Therefore, it has been classified as a Variant of Uncertain Significance.